The following is an entry in ClinVar:

ClinVar aggregate classification (germline): Uncertain significance (1 of 4 stars; one submission).

Submission:

Labcorp Genetics (formerly Invitae), Labcorp
Classification: Uncertain significance. Last evaluated: 2025-11-21. Review status: criteria provided, single submitter. Criteria: Invitae Variant Classification Sherloc (09022015). Collection method: clinical testing. Allele origin: germline.
Comment: This sequence change replaces arginine, which is basic and polar, with tryptophan, which is neutral and slightly polar, at codon 1731 of the NOTCH3 protein (p.Arg1731Trp). This variant is not present in population databases (gnomAD no frequency). This variant has not been reported in the literature in individuals affected with NOTCH3-related conditions. Invitae Evidence Modeling of protein sequence and biophysical properties (such as structural, functional, and spatial information, amino acid conservation, physicochemical variation, residue mobility, and thermodynamic stability) indicates that this missense variant is not expected to disrupt NOTCH3 protein function with a negative predictive value of 95%. In summary, the available evidence is currently insufficient to determine the role of this variant in disease. Therefore, it has been classified as a Variant of Uncertain Significance.

NM_000435.3(NOTCH3):c.5191C>T (p.Arg1731Trp)

Gene: NOTCH3 (notch receptor 3; minus strand). Cytogenetic location: 19p13.12.
Variant type: single nucleotide variant.
Coding change: c.5191C>T on transcript NM_000435.3 (MANE Select); coding-DNA position 5191, C replaced by T.
Protein change: p.Arg1731Trp; replaces arginine 1731 with tryptophan.
Molecular consequence: missense variant.
Genome position (GRCh38, 1-based): chr19:15,170,094, G>A on the plus strand (C>T on the coding strand, the complement: NOTCH3 is on the minus strand). VCF-style: chr19-15170094-G-A. GRCh37 (hg19) VCF-style: chr19-15280905-G-A.
Other names: short protein forms R1731W.
Identifiers: ClinVar variation 4760000 (VCV004760000.1).